The following is an entry in ClinVar:

NM_000038.6(APC):c.6566A>G (p.Lys2189Arg)

Gene: APC (APC regulator of Wnt signaling pathway; plus strand). Cytogenetic location: 5q22.2.
Variant type: single nucleotide variant.
Coding change: c.6566A>G on transcript NM_000038.6 (MANE Select); coding-DNA position 6566, A replaced by G.
Protein change: p.Lys2189Arg; replaces lysine 2189 with arginine.
Molecular consequence: missense variant.
Genome position (GRCh38, 1-based): chr5:112,842,160, A>G. VCF-style: chr5-112842160-A-G. GRCh37 (hg19) VCF-style: chr5-112177857-A-G.
Other names: c.6566A>G, p.Lys2189Arg (NM_001127510.3, NM_001354895.2); c.6512A>G, p.Lys2171Arg (NM_001127511.3); c.6620A>G, p.Lys2207Arg (NM_001354896.2); c.6596A>G, p.Lys2199Arg (NM_001354897.2); c.6491A>G, p.Lys2164Arg (NM_001354898.2); c.6482A>G, p.Lys2161Arg (NM_001354899.2); c.6443A>G, p.Lys2148Arg (NM_001354900.2); c.6389A>G, p.Lys2130Arg (NM_001354901.2); and 5 more; short protein forms K2088R, K2164R, K2207R, K1906R, K2063R, K2148R, K2161R, K2029R.
Identifiers: ClinVar variation 826485 (VCV000826485.15), dbSNP rs986763235, ClinGen allele CA16035696.

ClinVar aggregate classification (germline): Uncertain significance. Review status: criteria provided, multiple submitters, no conflicts (2 of 4 stars). 6 submissions from 6 submitters: Uncertain significance (6). Last evaluated 2026-05-29.

Conditions:
Familial adenomatous polyposis 1 (FAP1). Also called: POLYPOSIS, ADENOMATOUS INTESTINAL; FAMILIAL ADENOMATOUS POLYPOSIS 1, ATTENUATED. Identifiers: MedGen C2713442, MONDO:0021056, OMIM 175100. Disease mechanism: loss of function.
Hereditary cancer-predisposing syndrome. Also called: Tumor predisposition; Hereditary Cancer Syndrome; Neoplastic Syndromes, Hereditary; Hereditary neoplastic syndrome. Identifiers: Orphanet 140162, MedGen C0027672, MeSH D009386, MONDO:0015356.

Allele frequency attached by ClinVar (database versions not stated): gnomAD exomes below 0.00001; TOPMed 0.00002.
gnomAD v4.1: 1 of 1,612,642 alleles (0.000062%); highest among the groups gnomAD compares: African/African-American, 0.0013%; no homozygotes.

Submissions (6):

Women's Health and Genetics/Laboratory Corporation of America, LabCorp
Classification: Uncertain significance. Last evaluated: 2026-05-29. Review status: criteria provided, single submitter. Criteria: LabCorp Variant Classification Summary - May 2015. Collection method: clinical testing. Allele origin: germline.
Comment: Variant summary: APC c.6566A>G (p.Lys2189Arg) results in a conservative amino acid change in the encoded protein sequence. Algorithms developed to predict the effect of missense changes on protein structure and function are either unavailable or do not agree on the potential impact of this missense change. The variant allele was found at a frequency of 4e-06 in 249068 control chromosomes. The available data on variant occurrences in the general population are insufficient to allow any conclusion about variant significance. To our knowledge, no occurrence of c.6566A>G in individuals affected with APC-related conditions and no experimental evidence demonstrating its impact on protein function have been reported. ClinVar contains an entry for this variant (Variation ID: 826485). Based on the evidence outlined above, the variant was classified as uncertain significance.

Labcorp Genetics (formerly Invitae), Labcorp
Classification: Uncertain significance for Familial adenomatous polyposis 1. Last evaluated: 2025-10-09. Review status: criteria provided, single submitter. Criteria: Invitae Variant Classification Sherloc (09022015). Collection method: clinical testing. Allele origin: germline.
Comment: This sequence change replaces lysine, which is basic and polar, with arginine, which is basic and polar, at codon 2189 of the APC protein (p.Lys2189Arg). This variant is not present in population databases (gnomAD no frequency). This variant has not been reported in the literature in individuals affected with APC-related conditions. ClinVar contains an entry for this variant (Variation ID: 826485). Invitae Evidence Modeling of protein sequence and biophysical properties (such as structural, functional, and spatial information, amino acid conservation, physicochemical variation, residue mobility, and thermodynamic stability) indicates that this missense variant is not expected to disrupt APC protein function with a negative predictive value of 95%. In summary, the available evidence is currently insufficient to determine the role of this variant in disease. Therefore, it has been classified as a Variant of Uncertain Significance.

Baylor Genetics
Classification: Uncertain significance for Familial adenomatous polyposis 1. Last evaluated: 2023-10-27. Review status: criteria provided, single submitter. Criteria: ACMG Guidelines, 2015. Collection method: clinical testing. Allele origin: unknown.

Sema4
Classification: Uncertain significance for Hereditary cancer-predisposing syndrome. Last evaluated: 2022-02-02. Review status: criteria provided, single submitter. Criteria: Sema4 Curation Guidelines. Collection method: curation. Allele origin: germline.
Comment: The APC c.6566A>G (p.K2189R) variant has not been reported in the literature to our knowledge. It was observed in 1/15496 chromosomes of the African/ African American subpopulation in the large and broad cohorts of the Genome Aggregation Database (PMID: 32461654). This variant has been reported in ClinVar (Variation ID 826485). Functional studies have not been performed, and in silico predictions of the variant's effect on protein function are inconclusive. The evidence is insufficient to meet ACMG/AMP criteria for classifying the variant as benign or pathogenic. Thus, the clinical significance of this variant is currently uncertain.

Color Diagnostics, LLC DBA Color Health
Classification: Uncertain significance for Hereditary cancer-predisposing syndrome. Last evaluated: 2021-04-13. Review status: criteria provided, single submitter. Criteria: ACMG Guidelines, 2015. Collection method: clinical testing. Allele origin: germline.
Comment: This missense variant replaces lysine with arginine at codon 2189 of the APC protein. Computational prediction suggests that this variant may not impact protein structure and function (internally defined REVEL score threshold <= 0.5, PMID: 27666373). To our knowledge, functional studies have not been reported for this variant. This variant has not been reported in individuals affected with hereditary cancer in the literature. This variant has been identified in 1/249068 chromosomes in the general population by the Genome Aggregation Database (gnomAD). The available evidence is insufficient to determine the role of this variant in disease conclusively. Therefore, this variant is classified as a Variant of Uncertain Significance.

Ambry Genetics
Classification: Uncertain significance for Hereditary cancer-predisposing syndrome. Last evaluated: 2019-11-07. Review status: criteria provided, single submitter. Criteria: Ambry Variant Classification Scheme 2023. Collection method: clinical testing. Allele origin: germline.
Comment: The p.K2189R variant (also known as c.6566A>G), located in coding exon 15 of the APC gene, results from an A to G substitution at nucleotide position 6566. The lysine at codon 2189 is replaced by arginine, an amino acid with highly similar properties. This amino acid position is highly conserved in available vertebrate species. In addition, in silico predictors for this gene do not accurately predict pathogenicity. Since supporting evidence is limited at this time, the clinical significance of this alteration remains unclear.